The following is an entry in ClinVar:

NM_000548.5(TSC2):c.-45G>T

Genes: TSC2 (TSC complex subunit 2; plus strand), LOC130058210 (ATAC-STARR-seq lymphoblastoid silent region 7024; plus strand). Cytogenetic location: 16p13.3.
Variant type: single nucleotide variant.
Coding change: c.-45G>T on transcript NM_000548.5 (MANE Select); 45 bases upstream of the start codon, G replaced by T.
Molecular consequence: 5 prime UTR variant.
Genome position (GRCh38, 1-based): chr16:2,048,050, G>T. VCF-style: chr16-2048050-G-T. GRCh37 (hg19) VCF-style: chr16-2098051-G-T.
Other names: c.-45G>T (NM_001077183.3, NM_001114382.3, NM_001318827.2 and 4 more transcripts); c.-25G>T (NM_001318829.2); c.-271G>T (NM_001318831.2).
Identifiers: ClinVar variation 506728 (VCV000506728.1), dbSNP rs947662369, ClinGen allele CA276767114.
Genomic context (GRCh38, chr16:2,048,050, plus strand): 5'-CGGCGGCGTCCCGGGGCCAGGGGGGTGCGCCTTTCTCCGCGTCGGGGCGGCCCGGAGCGC[G>T]GTGGCGCGGCGCGGGGTAAGTGGCGGTCCCCACGGGGCAAGTGGCGGTCCCCACGGGGCA-3'

ClinVar aggregate classification (germline): Likely benign (1 of 4 stars; one submission).

Allele frequency attached by ClinVar (database versions not stated): TOPMed 0.00008; gnomAD 0.00006.
gnomAD v4.1: 303 of 1,424,744 alleles (0.021%); highest among the groups gnomAD compares: Non-Finnish European, 0.027%; no homozygotes.

Submission:

GeneDx
Classification: Likely benign. Last evaluated: 2018-01-18. Review status: criteria provided, single submitter. Criteria: GeneDx Variant Classification (06012015). Collection method: clinical testing. Allele origin: germline. Affected: yes.
Comment: This variant is considered likely benign or benign based on one or more of the following criteria: it is a conservative change, it occurs at a poorly conserved position in the protein, it is predicted to be benign by multiple in silico algorithms, and/or has population frequency not consistent with disease.